The following is an entry in ClinVar:

ClinVar aggregate classification (germline): Uncertain significance. Review status: criteria provided, multiple submitters, no conflicts (2 of 4 stars). 2 submissions from 2 submitters: Uncertain significance (2). Last evaluated 2022-10-18.

Conditions:
Familial cancer of breast. Also called: hereditary breast carcinoma; Hereditary breast cancer; BREAST CANCER, FAMILIAL. Identifiers: Orphanet 227535, MedGen C0346153, MONDO:0016419, OMIM 114480. Disease mechanism: loss of function.

Submissions (2):

GeneDx
Classification: Uncertain significance. Last evaluated: 2022-10-18. Review status: criteria provided, single submitter. Criteria: GeneDx Variant Classification Process June 2021. Collection method: clinical testing. Allele origin: germline. Affected: yes.
Comment: In-frame deletion of 1 amino acid in a non-repeat region; Not observed at significant frequency in large population cohorts (gnomAD); Has not been previously published as pathogenic or benign to our knowledge

Labcorp Genetics (formerly Invitae), Labcorp
Classification: Uncertain significance for Familial cancer of breast. Last evaluated: 2022-10-14. Review status: criteria provided, single submitter. Criteria: Invitae Variant Classification Sherloc (09022015). Collection method: clinical testing. Allele origin: germline.
Comment: This variant, c.1163_1165del, results in the deletion of 1 amino acid(s) of the PALB2 protein (p.Pro388del), but otherwise preserves the integrity of the reading frame. This variant is present in population databases (no rsID available, gnomAD 0.003%). This variant has not been reported in the literature in individuals affected with PALB2-related conditions. Experimental studies and prediction algorithms are not available or were not evaluated, and the functional significance of this variant is currently unknown. In summary, the available evidence is currently insufficient to determine the role of this variant in disease. Therefore, it has been classified as a Variant of Uncertain Significance.

NM_024675.4(PALB2):c.1160CTC[1] (p.Pro388del)

Gene: PALB2 (partner and localizer of BRCA2; minus strand). Cytogenetic location: 16p12.2.
Variant type: Microsatellite.
Coding change: c.1160CTC[1] on transcript NM_024675.4 (MANE Select); one copy of the 3-base unit CTC starting at c.1160; the reference has two copies in a row; one copy, 3 bases deleted; also written c.1163_1165del.
Protein change: p.Pro388del; deletes proline 388.
Molecular consequence: inframe deletion.
Genome position (GRCh38, 1-based): chr16:23,635,381-23,635,383, GAG deleted on the plus strand (CTC on the coding strand, the reverse complement: PALB2 is on the minus strand); deleting any 3 consecutive bases within chr16:23,635,381-23,635,386 gives the same sequence; the position shown is the placement nearest the transcript's 3' end. VCF-style (leftmost placement, unchanged base first): chr16-23635380-AGAG-A. GRCh37 (hg19) VCF-style: chr16-23646701-AGAG-A.
Other names: c.1163_1165del (NM_024675.3); short protein forms P388del.
Identifiers: ClinVar variation 1443457 (VCV001443457.4), dbSNP rs1306677139, ClinGen allele CA621661730.
Genomic context (GRCh38, chr16:23,635,380, plus strand): 5'-TAATATTCTGCAGGAAACAGAAGGCCTTCAGGCACTGTGCAAGAATGTTTTTCTGCAGAA[AGAG>A]GAGAGGTTGCTTCCAGGCTAAGACTCTTAGGTTGACTTAGAATCTCACTTTCCTGAAGAT-3'